The following is an entry in ClinVar:

ClinVar aggregate classification (germline): Uncertain significance (1 of 4 stars; one submission).

Conditions:
CSMD1-related disorder. Also called: CSMD1-related condition.

gnomAD v4.1: 1 of 1,555,186 alleles (0.000064%); highest among the groups gnomAD compares: Non-Finnish European, 0.000087%; no homozygotes.

Submission:

PreventionGenetics, part of Exact Sciences
Classification: Uncertain significance for CSMD1-related condition. Last evaluated: 2022-10-13. Review status: criteria provided, single submitter. Criteria: ACMG Guidelines, 2015. Collection method: clinical testing. Allele origin: germline.
Comment: The CSMD1 c.4735G>A variant is predicted to result in the amino acid substitution p.Asp1579Asn. To our knowledge, this variant has not been reported in the literature or in a large population database, indicating this variant is rare. At this time, the clinical significance of this variant is uncertain due to the absence of conclusive functional and genetic evidence.

NM_033225.6(CSMD1):c.4735G>A (p.Asp1579Asn)

Gene: CSMD1 (CUB and Sushi multiple domains 1; minus strand). Cytogenetic location: 8p23.2.
Variant type: single nucleotide variant.
Coding change: c.4735G>A on transcript NM_033225.6 (MANE Select); coding-DNA position 4735, G replaced by A.
Protein change: p.Asp1579Asn; replaces aspartic acid 1579 with asparagine.
Molecular consequence: missense variant.
Genome position (GRCh38, 1-based): chr8:3,214,629, C>T on the plus strand (G>A on the coding strand, the complement: CSMD1 is on the minus strand). VCF-style: chr8-3214629-C-T. GRCh37 (hg19) VCF-style: chr8-3072151-C-T.
Other names: short protein forms D1579N.
Identifiers: ClinVar variation 2636995 (VCV002636995.1), dbSNP rs1205164783, ClinGen allele CA369973379.